The following is an entry in ClinVar:

NM_002693.3(POLG):c.231G>C (p.Gln77His)

Genes: POLGARF (POLG alternative reading frame; minus strand), POLG (DNA polymerase gamma, catalytic subunit; minus strand). Cytogenetic location: 15q26.1.
Variant type: single nucleotide variant.
Coding change: c.231G>C on transcript NM_002693.3 (MANE Select); coding-DNA position 231, G replaced by C.
Protein change: p.Gln77His; replaces glutamine 77 with histidine.
Molecular consequence: missense variant.
Genome position (GRCh38, 1-based): chr15:89,333,524, C>G on the plus strand (G>C on the coding strand, the complement: POLG is on the minus strand). VCF-style: chr15-89333524-C-G. GRCh37 (hg19) VCF-style: chr15-89876755-C-G.
Other names: c.231G>C, p.Gln77His (NM_001126131.2); short protein forms Q77H.
Identifiers: ClinVar variation 1720667 (VCV001720667.6), dbSNP rs750555988, ClinGen allele CA7725157.
Genomic context (GRCh38, chr15:89,333,524, plus strand): 5'-CTCGCCAGGCATCTCCCCTCCTTGCCCGAAGATTTGCTCGTGCAGCCCTCTCGAGAGCAT[C>G]TGGATGTCCAATGGGTTGTGCCGCAGCTGCCCGCCCTCCGAGGATAGCACTTGCGGCTGC-3'
Protein context (NP_002684.1, residues 67-87): GQLRHNPLDI[Gln77His]MLSRGLHEQI

ClinVar aggregate classification (germline): Uncertain significance (1 of 4 stars; one submission).

Conditions:
Progressive sclerosing poliodystrophy (MTDPS4A). Also called: NEURONAL DEGENERATION OF CHILDHOOD WITH LIVER DISEASE, PROGRESSIVE; Alpers Syndrome; ALPERS DIFFUSE DEGENERATION OF CEREBRAL GRAY MATTER WITH HEPATIC CIRRHOSIS; Alpers-Huttenlocher Syndrome; Mitochondrial DNA Depletion Syndrome 4A; Alpers-Huttenlocher Syndrome (AHS). Identifiers: Orphanet 726, MedGen C0205710, MONDO:0008758, OMIM 203700.

gnomAD v4.1: 1 of 1,612,928 alleles (0.000062%); highest among the groups gnomAD compares: Non-Finnish European, 0.000085%; no homozygotes.

Submission:

Labcorp Genetics (formerly Invitae), Labcorp
Classification: Uncertain significance for Progressive sclerosing poliodystrophy. Last evaluated: 2022-10-25. Review status: criteria provided, single submitter. Criteria: Invitae Variant Classification Sherloc (09022015). Collection method: clinical testing. Allele origin: germline.
Comment: This variant is present in population databases (rs750555988, gnomAD 0.003%). In summary, the available evidence is currently insufficient to determine the role of this variant in disease. Therefore, it has been classified as a Variant of Uncertain Significance. Advanced modeling of protein sequence and biophysical properties (such as structural, functional, and spatial information, amino acid conservation, physicochemical variation, residue mobility, and thermodynamic stability) performed at Invitae indicates that this missense variant is expected to disrupt POLG protein function. This variant has not been reported in the literature in individuals affected with POLG-related conditions. This sequence change replaces glutamine, which is neutral and polar, with histidine, which is basic and polar, at codon 77 of the POLG protein (p.Gln77His).